The following is an entry in ClinVar:

ClinVar aggregate classification (germline): Benign. Review status: criteria provided, multiple submitters, no conflicts (2 of 4 stars). 3 submissions from 3 submitters: Benign (3). Last evaluated 2021-06-19.

Conditions:
Hyper-IgM syndrome type 3. Also called: Hyper-IgM Immunodeficiency Syndrome, Type 3. Identifiers: Orphanet 101090, MedGen C1720957, MONDO:0011735, OMIM 606843.

Submissions (3):

GeneDx
Classification: Benign. Last evaluated: 2021-06-19. Review status: criteria provided, single submitter. Criteria: GeneDx Variant Classification Process June 2021. Collection method: clinical testing. Allele origin: germline. Affected: yes.

Genome-Nilou Lab
Classification: Benign for Hyper-IgM syndrome type 3. Last evaluated: 2021-05-18. Review status: criteria provided, single submitter. Criteria: ACMG Guidelines, 2015. Collection method: clinical testing. Allele origin: germline. Affected: no.

Women's Health and Genetics/Laboratory Corporation of America, LabCorp
Classification: Benign. Last evaluated: 2020-10-13. Review status: criteria provided, single submitter. Criteria: LabCorp Variant Classification Summary - May 2015. Collection method: clinical testing. Allele origin: germline.
Comment: Variant summary: CD40 c.647-3dupT alters a nucleotide located close to a canonical splice site and therefore could affect mRNA splicing, leading to a significantly altered protein sequence. 4/4 computational tools predict no significant impact on normal splicing. However, these predictions have yet to be confirmed by functional studies. The variant allele was found at a frequency of 0.083 in 89320 control chromosomes in the gnomAD database, including 639 homozygotes. The observed variant frequency is approximately 528-fold of the estimated maximal expected allele frequency for a pathogenic variant in CD40 causing Hyper IgM Syndrome Type 3 phenotype (0.00016), strongly suggesting that the variant is benign. No clinical diagnostic laboratories have submitted clinical-significance assessments for this variant to ClinVar after 2014. Based on the evidence outlined above, the variant was classified as benign.

NM_001250.6(CD40):c.647-3dup

Gene: CD40 (CD40 molecule; plus strand). Cytogenetic location: 20q13.12.
Variant type: Duplication.
Coding change: c.647-3dup on transcript NM_001250.6 (MANE Select); 3 bases into the intron before coding-DNA position 647, one base duplicated (T; older notation c.647-3dupT).
Molecular consequence: intron variant.
Genome position (GRCh38, 1-based): chr20:46,128,327, T duplicated; the last of 23 consecutive T bases (chr20:46,128,305-46,128,327); duplicating any one gives the same sequence. VCF-style (leftmost placement, unchanged base first): chr20-46128304-C-CT. GRCh37 (hg19) VCF-style: chr20-44756943-C-CT.
Other names: c.687-3dup (NM_001302753.2); c.659-3dup (NM_001322421.2); c.647-8dup (NM_001362758.2); c.585-3dup (NM_152854.4); c.491-3dup (NM_001322422.2); c.647-3dupT (NM_001250.6).
Identifiers: ClinVar variation 984483 (VCV000984483.6), dbSNP rs749590513, ClinGen allele CA9888556.